The following is an entry in ClinVar:

ClinVar aggregate classification (germline): Uncertain significance (1 of 4 stars; one submission).

gnomAD v4.1: 6 of 1,614,110 alleles (0.00037%); highest among the groups gnomAD compares: Admixed American, 0.01%; no homozygotes.

Submission:

Ambry Genetics
Classification: Uncertain significance. Last evaluated: 2024-11-14. Review status: criteria provided, single submitter. Criteria: Ambry Variant Classification Scheme 2023. Collection method: clinical testing. Allele origin: germline.
Comment: The p.E281G variant (also known as c.842A>G), located in coding exon 1 of the PALLD gene, results from an A to G substitution at nucleotide position 842. The glutamic acid at codon 281 is replaced by glycine, an amino acid with similar properties. This amino acid position is conserved. In addition, this alteration is predicted to be deleterious by in silico analysis. Based on the available evidence, the clinical significance of this variant remains unclear.

NM_001166108.2(PALLD):c.842A>G (p.Glu281Gly)

Gene: PALLD (palladin, cytoskeletal associated protein; plus strand). Cytogenetic location: 4q32.3.
Variant type: single nucleotide variant.
Coding change: c.842A>G on transcript NM_001166108.2 (MANE Select); coding-DNA position 842, A replaced by G.
Protein change: p.Glu281Gly; replaces glutamic acid 281 with glycine.
Molecular consequence: missense variant.
Genome position (GRCh38, 1-based): chr4:168,512,346, A>G. VCF-style: chr4-168512346-A-G. GRCh37 (hg19) VCF-style: chr4-169433497-A-G.
Other names: c.842A>G, p.Glu281Gly (NM_016081.4); short protein forms E281G.
Identifiers: ClinVar variation 3413661 (VCV003413661.1).